The following is an entry in ClinVar:

ClinVar aggregate classification (germline): Conflicting classifications of pathogenicity. Review status: criteria provided, conflicting classifications (1 of 4 stars). 2 submissions from 2 submitters: Uncertain significance (1); Likely benign (1). Last evaluated 2025-11-27.

Allele frequency attached by ClinVar (database versions not stated): TOPMed 0.00002; gnomAD 0.00002.
gnomAD v4.1: 5 of 1,612,522 alleles (0.00031%); highest among the groups gnomAD compares: African/African-American, 0.004%; no homozygotes.

Submissions (2):

Labcorp Genetics (formerly Invitae), Labcorp
Classification: Likely benign. Last evaluated: 2025-11-27. Review status: criteria provided, single submitter. Criteria: Invitae Variant Classification Sherloc (09022015). Collection method: clinical testing. Allele origin: germline.

GeneDx
Classification: Uncertain significance. Last evaluated: 2024-08-13. Review status: criteria provided, single submitter. Criteria: GeneDx Variant Classification Process June 2021. Collection method: clinical testing. Allele origin: germline. Affected: yes.
Comment: Not observed at significant frequency in large population cohorts (gnomAD); In silico analysis indicates that this missense variant does not alter protein structure/function; Has not been previously published as pathogenic or benign to our knowledge

NM_032119.4(ADGRV1):c.13838A>C (p.His4613Pro)

Gene: ADGRV1 (adhesion G protein-coupled receptor V1; plus strand). Cytogenetic location: 5q14.3.
Variant type: single nucleotide variant.
Coding change: c.13838A>C on transcript NM_032119.4 (MANE Select); coding-DNA position 13838, A replaced by C.
Protein change: p.His4613Pro; replaces histidine 4613 with proline.
Molecular consequence: missense variant. On other transcripts: non-coding transcript variant (1).
Genome position (GRCh38, 1-based): chr5:90,788,255, A>C. VCF-style: chr5-90788255-A-C. GRCh37 (hg19) VCF-style: chr5-90084072-A-C.
Other names: c.13838A>C (NM_032119.3); short protein forms H4613P.
Identifiers: ClinVar variation 1403923 (VCV001403923.8), dbSNP rs775508830, ClinGen allele CA3341624.